The following is an entry in ClinVar:

ClinVar aggregate classification (germline): Benign. Review status: criteria provided, multiple submitters, no conflicts (2 of 4 stars). 2 submissions from 2 submitters: Benign (2). Last evaluated 2018-01-12.

Conditions:
Neurodegeneration with brain iron accumulation 4 (NBIA4). Also called: MITOCHONDRIAL PROTEIN-ASSOCIATED NEURODEGENERATION. Identifiers: Orphanet 289560, MedGen C3280371, MONDO:0013674, OMIM 614298. Disease mechanism: loss of function.

Allele frequency attached by ClinVar (database versions not stated): 1000 Genomes Project 0.27516; 1000 Genomes Project 30x 0.28014; ExAC 0.41541; TOPMed 0.42928; gnomAD 0.43835 and 0.44699.
gnomAD v4.1: 214,419 of 453,896 alleles (47%); highest among the groups gnomAD compares: Non-Finnish European, 59%; 56,041 homozygotes.

Submissions (2):

Illumina Laboratory Services, Illumina
Classification: Benign for Neurodegeneration with brain iron accumulation 4. Last evaluated: 2018-01-12. Review status: criteria provided, single submitter. Criteria: ICSL Variant Classification Criteria 13 December 2019. Collection method: clinical testing. Allele origin: germline.
Comment: This variant was observed in the ICSL laboratory as part of a predisposition screen in an ostensibly healthy population. It had not been previously curated by ICSL or reported in the Human Gene Mutation Database (HGMD: prior to June 1st, 2018), and was therefore a candidate for classification through an automated scoring system. Utilizing variant allele frequency, disease prevalence and penetrance estimates, and inheritance mode, an automated score was calculated to assess if this variant is too frequent to cause the disease. Based on the score and internal cut-off values, a variant classified as benign is not then subjected to further curation. The score for this variant resulted in a classification of benign for this disease.

Breakthrough Genomics
Classification: Benign. Review status: criteria provided, single submitter. Criteria: ACMG Guidelines, 2015. Collection method: not provided. Allele origin: germline. Inheritance: Autosomal recessive inheritance. Affected: yes.

NM_031448.6(C19orf12):c.*1114C>G

Gene: C19orf12 (chromosome 19 open reading frame 12; minus strand). Cytogenetic location: 19q12.
Variant type: single nucleotide variant.
Coding change: c.*1114C>G on transcript NM_031448.6 (MANE Select); 1114 bases downstream of the stop codon, C replaced by G.
Molecular consequence: 3 prime UTR variant.
Genome position (GRCh38, 1-based): chr19:29,701,598, G>C on the plus strand (C>G on the coding strand, the complement: C19orf12 is on the minus strand). VCF-style: chr19-29701598-G-C. GRCh37 (hg19) VCF-style: chr19-30192505-G-C.
Other names: c.*1114C>G (NM_001031726.4, NM_001256047.2, NM_001282929.1 and 2 more transcripts); c.*1161C>G (NM_001256046.3).
Identifiers: ClinVar variation 328708 (VCV000328708.6), dbSNP rs1048123, ClinGen allele CA9351766.
Genomic context (GRCh38, chr19:29,701,598, plus strand): 5'-GTTGGATCTAAATGTGGAGACCACAGTTACGGAGAGCTGACTGTACTGGGGAAATCTTTA[G>C]GGTAGAAACATTTCTTAGAGATGGTTTATATCACACCACTTCAGAAAGAGCAATACAGGC-3'